The following is an entry in ClinVar:

NM_021973.3(HAND2):c.452T>C (p.Leu151Pro)

Genes: HAND2-AS1 (HAND2 antisense RNA 1; plus strand), HAND2 (heart and neural crest derivatives expressed 2; minus strand). Cytogenetic location: 4q34.1.
Variant type: single nucleotide variant.
Coding change: c.452T>C on transcript NM_021973.3 (MANE Select); coding-DNA position 452, T replaced by C.
Protein change: p.Leu151Pro; replaces leucine 151 with proline.
Molecular consequence: missense variant. On other transcripts: non-coding transcript variant (1).
Genome position (GRCh38, 1-based): chr4:173,528,838, A>G on the plus strand (T>C on the coding strand, the complement: HAND2 is on the minus strand). VCF-style: chr4-173528838-A-G. GRCh37 (hg19) VCF-style: chr4-174449989-A-G.
Other names: short protein forms L151P.
Identifiers: ClinVar variation 4998938 (VCV004998938.1).

ClinVar aggregate classification (germline): Uncertain significance (1 of 4 stars; one submission).

Conditions:
HAND2-related disorder. Also called: HAND2-related condition.

Submission:

PreventionGenetics, part of Exact Sciences
Classification: Uncertain significance for HAND2-related condition. Last evaluated: 2025-06-16. Review status: criteria provided, single submitter. Criteria: ACMG Guidelines, 2015. Collection method: clinical testing. Allele origin: germline.
Comment: The HAND2 c.452T>C variant is predicted to result in the amino acid substitution p.Leu151Pro. To our knowledge, this variant has not been reported in the literature or in a large population database (gnomAD), indicating this variant is rare. At this time, the clinical significance of this variant is uncertain due to the absence of conclusive functional and genetic evidence.